The following is an entry in ClinVar:

NM_003072.5(SMARCA4):c.2102T>C (p.Val701Ala)

Gene: SMARCA4 (SWI/SNF related BAF chromatin remodeling complex subunit ATPase 4; plus strand). Cytogenetic location: 19p13.2.
Variant type: single nucleotide variant.
Coding change: c.2102T>C on transcript NM_003072.5 (MANE Select); coding-DNA position 2102, T replaced by C.
Protein change: p.Val701Ala; replaces valine 701 with alanine.
Molecular consequence: missense variant. On other transcripts: non-coding transcript variant (1).
Genome position (GRCh38, 1-based): chr19:11,008,002, T>C. VCF-style: chr19-11008002-T-C. GRCh37 (hg19) VCF-style: chr19-11118678-T-C.
Other names: c.2102T>C, p.Val701Ala (NM_001128846.2, NM_001128847.4, NM_001128848.2 and 6 more transcripts); short protein forms V701A.
Identifiers: ClinVar variation 1785943 (VCV001785943.2), dbSNP rs1307425251, ClinGen allele CA404052586.

ClinVar aggregate classification (germline): Uncertain significance (1 of 4 stars; one submission).

Conditions:
Hereditary cancer-predisposing syndrome. Also called: Neoplastic Syndromes, Hereditary; Tumor predisposition; Hereditary Cancer Syndrome; Hereditary neoplastic syndrome. Identifiers: Orphanet 140162, MedGen C0027672, MeSH D009386, MONDO:0015356.

Allele frequency attached by ClinVar (database versions not stated): gnomAD exomes below 0.00001.
gnomAD v4.1: 2 of 1,613,458 alleles (0.00012%); highest among the groups gnomAD compares: Non-Finnish European, 0.00017%; no homozygotes.

Submission:

Ambry Genetics
Classification: Uncertain significance for Hereditary cancer-predisposing syndrome. Last evaluated: 2016-10-18. Review status: criteria provided, single submitter. Criteria: Ambry Variant Classification Scheme 2023. Collection method: clinical testing. Allele origin: germline.
Comment: The p.V701A variant (also known as c.2102T>C), located in coding exon 13 of the SMARCA4 gene, results from a T to C substitution at nucleotide position 2102. The valine at codon 701 is replaced by alanine, an amino acid with similar properties. This variant was not reported in population based cohorts in the following databases: Database of Single Nucleotide Polymorphisms (dbSNP), NHLBI Exome Sequencing Project (ESP), and 1000 Genomes Project. In the ESP, this variant was not observed in 6503 samples (13006 alleles) with coverage at this position. To date, this alteration has been detected with an allele frequency of approximately 0.001% (greater than 100000 alleles tested) in our clinical cohort. This amino acid position is highly conserved in available vertebrate species. In addition, the in silico prediction for this alteration is inconclusive. Since supporting evidence is limited at this time, the clinical significance of this alteration remains unclear.